The following is an entry in ClinVar:

ClinVar aggregate classification (germline): Uncertain significance (1 of 4 stars; one submission).

Conditions:
Rhabdoid tumor predisposition syndrome 2 (RTPS2). Identifiers: Orphanet 231108, Orphanet 69077, MedGen C2750074, MONDO:0013224, OMIM 613325.

Submission:

Labcorp Genetics (formerly Invitae), Labcorp
Classification: Uncertain significance for Rhabdoid tumor predisposition syndrome 2. Last evaluated: 2025-03-04. Review status: criteria provided, single submitter. Criteria: Invitae Variant Classification Sherloc (09022015). Collection method: clinical testing. Allele origin: germline.
Comment: This sequence change replaces glutamic acid, which is acidic and polar, with lysine, which is basic and polar, at codon 365 of the SMARCA4 protein (p.Glu365Lys). This variant is not present in population databases (gnomAD no frequency). This variant has not been reported in the literature in individuals affected with SMARCA4-related conditions. ClinVar contains an entry for this variant (Variation ID: 2865765). Invitae Evidence Modeling of protein sequence and biophysical properties (such as structural, functional, and spatial information, amino acid conservation, physicochemical variation, residue mobility, and thermodynamic stability) has been performed for this missense variant. However, the output from this modeling did not meet the statistical confidence thresholds required to predict the impact of this variant on SMARCA4 protein function. In summary, the available evidence is currently insufficient to determine the role of this variant in disease. Therefore, it has been classified as a Variant of Uncertain Significance.

NM_003072.5(SMARCA4):c.1093G>A (p.Glu365Lys)

Gene: SMARCA4 (SWI/SNF related BAF chromatin remodeling complex subunit ATPase 4; plus strand). Cytogenetic location: 19p13.2.
Variant type: single nucleotide variant.
Coding change: c.1093G>A on transcript NM_003072.5 (MANE Select); coding-DNA position 1093, G replaced by A.
Protein change: p.Glu365Lys; replaces glutamic acid 365 with lysine.
Molecular consequence: missense variant. On other transcripts: non-coding transcript variant (1).
Genome position (GRCh38, 1-based): chr19:10,987,899, G>A. VCF-style: chr19-10987899-G-A. GRCh37 (hg19) VCF-style: chr19-11098575-G-A.
Other names: c.1093G>A, p.Glu365Lys (NM_001128844.3, NM_001128845.2, NM_001128846.2 and 6 more transcripts); short protein forms E365K.
Identifiers: ClinVar variation 2865765 (VCV002865765.3), dbSNP rs2145822124, ClinGen allele CA404058869.